The following is an entry in ClinVar:

ClinVar aggregate classification (germline): Uncertain significance (1 of 4 stars; one submission).

Conditions:
Hypertrophic cardiomyopathy 26. Also called: Cardiomyopathy, familial hypertrophic, 26. Identifiers: Orphanet 75249, MedGen C4310749, MONDO:0014883, OMIM 617047.
Myofibrillar myopathy 5. Also called: Filaminopathy (type); FILAMINOPATHY, AUTOSOMAL DOMINANT. Identifiers: Orphanet 171445, MedGen C1836050, MONDO:0012289, OMIM 609524.
Distal myopathy with posterior leg and anterior hand involvement. Also called: WILLIAMS DISTAL MYOPATHY. Identifiers: Orphanet 63273, MedGen C3279722, MONDO:0013550, OMIM 614065.

Submission:

Labcorp Genetics (formerly Invitae), Labcorp
Classification: Uncertain significance for Distal myopathy with posterior leg and anterior hand involvement; Myofibrillar myopathy 5; Hypertrophic cardiomyopathy 26. Last evaluated: 2023-01-01. Review status: criteria provided, single submitter. Criteria: Invitae Variant Classification Sherloc (09022015). Collection method: clinical testing. Allele origin: germline.
Comment: In summary, the available evidence is currently insufficient to determine the role of this variant in disease. Therefore, it has been classified as a Variant of Uncertain Significance. Advanced modeling of protein sequence and biophysical properties (such as structural, functional, and spatial information, amino acid conservation, physicochemical variation, residue mobility, and thermodynamic stability) has been performed at Invitae for this missense variant, however the output from this modeling did not meet the statistical confidence thresholds required to predict the impact of this variant on FLNC protein function. This variant has not been reported in the literature in individuals affected with FLNC-related conditions. This variant is not present in population databases (gnomAD no frequency). This sequence change replaces glycine, which is neutral and non-polar, with alanine, which is neutral and non-polar, at codon 570 of the FLNC protein (p.Gly570Ala).

NM_001458.5(FLNC):c.1709G>C (p.Gly570Ala)

Gene: FLNC (filamin C; plus strand). Cytogenetic location: 7q32.1.
Variant type: single nucleotide variant.
Coding change: c.1709G>C on transcript NM_001458.5 (MANE Select); coding-DNA position 1709, G replaced by C.
Protein change: p.Gly570Ala; replaces glycine 570 with alanine.
Molecular consequence: missense variant.
Genome position (GRCh38, 1-based): chr7:128,840,866, G>C. VCF-style: chr7-128840866-G-C. GRCh37 (hg19) VCF-style: chr7-128480920-G-C.
Other names: c.1709G>C, p.Gly570Ala (NM_001127487.2); short protein forms G570A.
Identifiers: ClinVar variation 2942875 (VCV002942875.3), dbSNP rs2536627122, ClinGen allele CA369226911.